The following is an entry in ClinVar:

NM_147127.5(EVC2):c.1090del (p.Gln363_Met364insTer)

Gene: EVC2 (EvC ciliary complex subunit 2; minus strand). Cytogenetic location: 4p16.2.
Variant type: Deletion.
Coding change: c.1090del on transcript NM_147127.5 (MANE Select); coding-DNA position 1090, one base deleted (A; older notation c.1090delA).
Protein change: p.Gln363_Met364insTer.
Molecular consequence: nonsense.
Genome position (GRCh38, 1-based): chr4:5,663,162, T deleted on the plus strand (A on the coding strand, the reverse complement: EVC2 is on the minus strand); the first of 3 consecutive T bases (chr4:5,663,162-5,663,164); deleting any one gives the same sequence. VCF-style (leftmost placement, unchanged base first): chr4-5663161-AT-A. GRCh37 (hg19) VCF-style: chr4-5664888-AT-A.
Other names: c.850del, p.Gln283_Met284insTer (NM_001166136.2).
Identifiers: ClinVar variation 2945421 (VCV002945421.3), dbSNP rs2475506108, ClinGen allele CA2740091085.

ClinVar aggregate classification (germline): Pathogenic (1 of 4 stars; one submission).

Conditions:
Curry-Hall syndrome (WAD). Also called: WEYERS ACRODENTAL DYSOSTOSIS. Identifiers: Orphanet 952, MedGen C0457013, MONDO:0008673, OMIM 193530.
Ellis-van Creveld syndrome (EVC). Also called: EVC-Related Ellis-van Creveld Syndrome; EVC2-Related Ellis-van Creveld Syndrome; MESOECTODERMAL DYSPLASIA; Chondroectodermal dysplasia. Identifiers: Orphanet 289, MedGen C0013903, MONDO:0009162, OMIM 225500.

Submission:

Labcorp Genetics (formerly Invitae), Labcorp
Classification: Pathogenic for Curry-Hall syndrome; Ellis-van Creveld syndrome. Last evaluated: 2023-03-17. Review status: criteria provided, single submitter. Criteria: Invitae Variant Classification Sherloc (09022015). Collection method: clinical testing. Allele origin: germline.
Comment: For these reasons, this variant has been classified as Pathogenic. Algorithms developed to predict the effect of sequence changes on RNA splicing suggest that this variant may disrupt the consensus splice site. This variant has not been reported in the literature in individuals affected with EVC2-related conditions. This variant is not present in population databases (gnomAD no frequency). This sequence change creates a premature translational stop signal (p.Met364*) in the EVC2 gene. It is expected to result in an absent or disrupted protein product. Loss-of-function variants in EVC2 are known to be pathogenic (PMID: 17024374, 19810119, 19876929).

Literature cited by the submitters: PubMed 17024374; PubMed 19810119; PubMed 19876929.